The following is an entry in ClinVar:

ClinVar aggregate classification (germline): Uncertain significance (1 of 4 stars; one submission).

Submission:

CeGaT Center for Human Genetics Tuebingen
Classification: Uncertain significance. Last evaluated: 2022-06-01. Review status: criteria provided, single submitter. Criteria: CeGaT Center For Human Genetics Tuebingen Variant Classification Criteria Version 2. Collection method: clinical testing. Allele origin: germline. Affected: yes. Observed: 1 variant allele.
Comment: NRXN1: PM2, PP3

NM_001330078.2(NRXN1):c.287T>G (p.Phe96Cys)

Gene: NRXN1 (neurexin 1; minus strand). Cytogenetic location: 2p16.3.
Variant type: single nucleotide variant.
Coding change: c.287T>G on transcript NM_001330078.2 (MANE Select); coding-DNA position 287, T replaced by G.
Protein change: p.Phe96Cys; replaces phenylalanine 96 with cysteine.
Molecular consequence: missense variant.
Genome position (GRCh38, 1-based): chr2:51,027,987, A>C on the plus strand (T>G on the coding strand, the complement: NRXN1 is on the minus strand). VCF-style: chr2-51027987-A-C. GRCh37 (hg19) VCF-style: chr2-51255125-A-C.
Other names: c.287T>G, p.Phe96Cys (NM_001135659.3, NM_001330077.2, NM_001330079.2 and 15 more transcripts); short protein forms F96C.
Identifiers: ClinVar variation 2650909 (VCV002650909.24), dbSNP rs1670858679, ClinGen allele CA346824303.